The following is an entry in ClinVar:

ClinVar aggregate classification (germline): Uncertain significance (1 of 4 stars; one submission).

Conditions:
Familial thoracic aortic aneurysm and aortic dissection (TAAD). Also called: Thoracic aortic aneurysms and dissections. Identifiers: Orphanet 91387, MedGen C4707243, MONDO:0019625.

Submission:

Color Diagnostics, LLC DBA Color Health
Classification: Uncertain significance for Familial thoracic aortic aneurysm and aortic dissection. Last evaluated: 2023-12-05. Review status: criteria provided, single submitter. Criteria: ACMG Guidelines, 2015. Collection method: clinical testing. Allele origin: germline.
Comment: This missense variant replaces asparagine with serine at codon 344 of the TGFBR1 protein. Computational prediction tools and conservation analyses suggest that this variant may have deleterious impact on the protein function. Computational splicing tools suggest that this variant may not impact RNA splicing. To our knowledge, functional assays have not been performed for this variant nor has this variant been reported in individuals affected with cardiovascular disorders in the literature. This variant has not been identified in the general population by the Genome Aggregation Database (gnomAD). Available evidence is insufficient to determine the role of this variant in disease conclusively. Therefore, this variant is classified as a Variant of Uncertain Significance.

NM_004612.4(TGFBR1):c.1031A>G (p.Asn344Ser)

Gene: TGFBR1 (transforming growth factor beta receptor 1; plus strand). Cytogenetic location: 9q22.33.
Variant type: single nucleotide variant.
Coding change: c.1031A>G on transcript NM_004612.4 (MANE Select); coding-DNA position 1031, A replaced by G.
Protein change: p.Asn344Ser; replaces asparagine 344 with serine.
Molecular consequence: missense variant.
Genome position (GRCh38, 1-based): chr9:99,144,789, A>G. VCF-style: chr9-99144789-A-G. GRCh37 (hg19) VCF-style: chr9-101907071-A-G.
Other names: c.800A>G, p.Asn267Ser (NM_001130916.3); c.1043A>G, p.Asn348Ser (NM_001306210.2); short protein forms N267S, N348S, N344S.
Identifiers: ClinVar variation 921051 (VCV000921051.5), dbSNP rs1827740020, ClinGen allele CA374231391.